The following is an entry in ClinVar:

NM_014000.3(VCL):c.2435-2A>C

Gene: VCL (vinculin; plus strand). Cytogenetic location: 10q22.2.
Variant type: single nucleotide variant.
Coding change: c.2435-2A>C on transcript NM_014000.3 (MANE Select); the canonical splice acceptor site of the intron before coding-DNA position 2435, A replaced by C.
Molecular consequence: splice acceptor variant.
Genome position (GRCh38, 1-based): chr10:74,107,228, A>C. VCF-style: chr10-74107228-A-C. GRCh37 (hg19) VCF-style: chr10-75866986-A-C.
Other names: c.2435-2A>C (NM_003373.4).
Identifiers: ClinVar variation 2586042 (VCV002586042.3), dbSNP rs111272668, ClinGen allele CA377263514.

ClinVar aggregate classification (germline): Uncertain significance (1 of 4 stars; one submission).

Conditions:
Cardiovascular phenotype. Identifiers: MedGen CN230736.

Submission:

Ambry Genetics
Classification: Uncertain significance for Cardiovascular phenotype. Last evaluated: 2026-01-09. Review status: criteria provided, single submitter. Criteria: Ambry Variant Classification Scheme 2023. Collection method: clinical testing. Allele origin: germline.
Comment: The c.2435-2A>C intronic variant results from an A to C substitution two nucleotides upstream from coding exon 17 in the VCL gene. This nucleotide position is highly conserved in available vertebrate species. In silico splice site analysis predicts that this alteration will weaken the native splice acceptor site and may result in the creation or strengthening of a novel splice acceptor site. Alterations that disrupt the canonical splice site are expected to cause aberrant splicing, resulting in an abnormal protein or a transcript that is subject to nonsense-mediated mRNA decay. However, loss of function has not been established as a mechanism of disease. Based on the available evidence, the clinical significance of this alteration remains unclear.